The following is an entry in ClinVar:

NM_130837.3(OPA1):c.1754+22T>G

Gene: OPA1 (OPA1 mitochondrial dynamin like GTPase; plus strand). Cytogenetic location: 3q29.
Variant type: single nucleotide variant.
Coding change: c.1754+22T>G on transcript NM_130837.3 (MANE Select); 22 bases into the intron after coding-DNA position 1754, T replaced by G.
Molecular consequence: intron variant.
Genome position (GRCh38, 1-based): chr3:193,645,822, T>G. VCF-style: chr3-193645822-T-G. GRCh37 (hg19) VCF-style: chr3-193363611-T-G.
Other names: NC_000003.11:g.193363611T>G; c.1217+22T>G (NM_001354664.2); c.1220+22T>G (NM_001354663.2); c.1643+22T>G (NM_130834.3); c.1700+22T>G (NM_130836.3); c.1589+22T>G (NM_015560.3); c.1646+22T>G (NM_130835.3); c.1535+22T>G (NM_130832.3); and 2 more.
Identifiers: ClinVar variation 2654361 (VCV002654361.25), dbSNP rs181194653, ClinGen allele CA2759473.

ClinVar aggregate classification (germline): Likely benign (1 of 4 stars; one submission).

Allele frequency attached by ClinVar (database versions not stated): ESP Exome Variant Server 0.00116; 1000 Genomes Project 0.00160; 1000 Genomes Project 30x 0.00172; gnomAD 0.00218; TOPMed 0.00228.
gnomAD v4.1: 2,536 of 1,555,418 alleles (0.16%); highest among the groups gnomAD compares: Middle Eastern, 1.4%; 15 homozygotes.

Submissions (4):

CeGaT Center for Human Genetics Tuebingen
Classification: Likely benign. Last evaluated: 2026-09-01. Review status: criteria provided, single submitter. Criteria: CeGaT Center For Human Genetics Tuebingen Variant Classification Criteria Version 2. Collection method: clinical testing. Allele origin: germline. Affected: yes. Observed: 8 variant alleles.
Comment: OPA1: BS2

Dr. Peter K. Rogan Lab, Western University
No classification provided (evidence only). Condition: Lung cancer. Review status: no classification provided. Collection method: in vitro. Allele origin: not applicable. Functional consequence: retained intron. Not counted in ClinVar's aggregate classification.

Dr. Peter K. Rogan Lab, Western University
No classification provided (evidence only). Condition: Sarcoma. Review status: no classification provided. Collection method: in vitro. Allele origin: not applicable. Functional consequence: retained intron. Not counted in ClinVar's aggregate classification.

Dr. Peter K. Rogan Lab, Western University
No classification provided (evidence only). Condition: Malignant tumor of esophagus. Review status: no classification provided. Collection method: in vitro. Allele origin: not applicable. Functional consequence: retained intron. Not counted in ClinVar's aggregate classification.